The following is an entry in ClinVar:

ClinVar aggregate classification (germline): Uncertain significance (1 of 4 stars; one submission).

Submission:

GeneDx
Classification: Uncertain significance. Last evaluated: 2026-04-08. Review status: criteria provided, single submitter. Criteria: GeneDx Variant Classification Process June 2021. Collection method: clinical testing. Allele origin: germline.
Comment: Not observed at significant frequency in large population cohorts (gnomAD); In-frame deletion of 2 amino acid(s) in a non-repeat region; In silico analysis suggests that this variant does not alter protein structure/function; Has not been previously published as pathogenic or benign to our knowledge

NM_012062.5(DNM1L):c.1736_1741del (p.Asp579_Gly580del)

Gene: DNM1L (dynamin 1L; plus strand). Cytogenetic location: 12p11.21.
Variant type: Deletion.
Coding change: c.1736_1741del on transcript NM_012062.5 (MANE Select); coding-DNA positions 1736 to 1741, 6 bases deleted (ATGGTG; older notation c.1736_1741delATGGTG).
Protein change: p.Asp579_Gly580del.
Molecular consequence: inframe deletion.
Genome position (GRCh38, 1-based): chr12:32,740,092-32,740,097, ATGGTG deleted; deleting any 6 consecutive bases within chr12:32,740,091-32,740,097 gives the same sequence; the c. name uses the placement nearest the transcript's 3' end. VCF-style (leftmost placement, unchanged base first): chr12-32740090-AGATGGT-A. GRCh37 (hg19) VCF-style: chr12-32893024-AGATGGT-A.
Other names: c.1664_1669del, p.Asp555_Gly556del (NM_001330380.2); c.1625_1630del, p.Asp542_Gly543del (NM_005690.5); c.1658_1663del, p.Asp553_Gly554del (NM_012063.4); c.1703_1708del, p.Asp568_Gly569del (NM_001278463.2); c.1775_1780del, p.Asp592_Gly593del (NM_001278464.2); c.1742_1747del, p.Asp581_Gly582del (NM_001278465.2); c.1127_1132del, p.Asp376_Gly377del (NM_001278466.2).
Identifiers: ClinVar variation 5016857 (VCV005016857.1).
Genomic context (GRCh38, chr12:32,740,090, plus strand): 5'-TGTGGTTGGTATGTTTTGGAACATGTTTTTTCAGGTTGCATCTGGAGGTGGTGGGGTTGG[AGATGGT>A]GTTCAAGAACCAACCACAGGCAACTGGAGAGGAATGCTGAAAACTTCAAAAGCTGAAGAG-3'